The following is an entry in ClinVar:

ClinVar aggregate classification (germline): Pathogenic. Review status: criteria provided, multiple submitters, no conflicts (2 of 4 stars). 2 submissions from 2 submitters: Pathogenic (2). Last evaluated 2024-02-01.

Conditions:
Polyglandular autoimmune syndrome, type 1 (APS1). Also called: HYPOADRENOCORTICISM WITH HYPOPARATHYROIDISM AND SUPERFICIAL MONILIASIS; PGA I; Autoimmune polyendocrine syndrome type 1; Autoimmune polyendocrinopathy syndrome, type I; AUTOIMMUNE POLYENDOCRINE SYNDROME, TYPE I, WITH OR WITHOUT REVERSIBLE METAPHYSEAL DYSPLASIA; APS I. Identifiers: Orphanet 3453, MedGen C0085859, MONDO:0009411, OMIM 240300.

Submissions (2):

Labcorp Genetics (formerly Invitae), Labcorp
Classification: Pathogenic for Polyglandular autoimmune syndrome, type 1. Last evaluated: 2024-02-01. Review status: criteria provided, single submitter. Criteria: Invitae Variant Classification Sherloc (09022015). Collection method: clinical testing. Allele origin: germline.
Comment: This sequence change creates a premature translational stop signal (p.Lys164Glnfs*53) in the AIRE gene. It is expected to result in an absent or disrupted protein product. Loss-of-function variants in AIRE are known to be pathogenic (PMID: 11524731, 26141571). This variant is present in population databases (rs746101086, gnomAD 0.009%). This premature translational stop signal has been observed in individual(s) with autosomal recessive autoimmune polyendocrinopathy syndrome (PMID: 25064028). ClinVar contains an entry for this variant (Variation ID: 664355). For these reasons, this variant has been classified as Pathogenic.

Juno Genomics, Hangzhou Juno Genomics, Inc
Classification: Pathogenic for Polyglandular autoimmune syndrome, type 1. Review status: criteria provided, single submitter. Criteria: ACMG Guidelines, 2015. Collection method: clinical testing. Allele origin: germline.
Comment: Absent from controls (or at extremely low frequency if recessive) in Genome Aggregation Database.;Null variant in a gene where loss of function (LOF) is a known mechanism of disease.;For recessive disorders, detected in trans with a pathogenic variant.

Literature cited by the submitters: PubMed 11524731 (cited by Labcorp Genetics (formerly Invitae), Labcorp); PubMed 26141571 (cited by Labcorp Genetics (formerly Invitae), Labcorp); PubMed 25064028 (cited by Labcorp Genetics (formerly Invitae), Labcorp).

NM_000383.4(AIRE):c.489dup (p.Lys164fs)

Gene: AIRE (autoimmune regulator; plus strand). Cytogenetic location: 21q22.3.
Variant type: Duplication.
Coding change: c.489dup on transcript NM_000383.4 (MANE Select); coding-DNA position 489, one base duplicated (C; older notation c.489dupC).
Protein change: p.Lys164fs; shifts the reading frame from lysine 164.
Molecular consequence: frameshift variant.
Genome position (GRCh38, 1-based): chr21:44,287,542, C duplicated; the last of 6 consecutive C bases (chr21:44,287,537-44,287,542); duplicating any one gives the same sequence. VCF-style (leftmost placement, unchanged base first): chr21-44287536-G-GC. GRCh37 (hg19) VCF-style: chr21-45707419-G-GC.
Other names: c.489dup (NM_000383.3); short protein forms K164fs.
Identifiers: ClinVar variation 664355 (VCV000664355.11), dbSNP rs746101086, ClinGen allele CA10051583.